The following is an entry in ClinVar:

NM_002972.4(SBF1):c.1637-5C>T

Gene: SBF1 (SET binding factor 1; minus strand). Cytogenetic location: 22q13.33.
Variant type: single nucleotide variant.
Coding change: c.1637-5C>T on transcript NM_002972.4 (MANE Select); 5 bases into the intron before coding-DNA position 1637, C replaced by T.
Molecular consequence: intron variant.
Genome position (GRCh38, 1-based): chr22:50,464,446, G>A on the plus strand (C>T on the coding strand, the complement: SBF1 is on the minus strand). VCF-style: chr22-50464446-G-A. GRCh37 (hg19) VCF-style: chr22-50902875-G-A.
Other names: c.1640-5C>T (NM_001365819.1).
Identifiers: ClinVar variation 750360 (VCV000750360.51), dbSNP rs377462059, ClinGen allele CA10317574.
Genomic context (GRCh38, chr22:50,464,446, plus strand): 5'-CTCCAGCCGCCGGGCGCTGTTGACATGCAGCCCACTGCACCGCTCCAGTATGGCAGCTGC[G>A]GGGACAGAATACACACACTCGGACCCCTGACCCCACGCCCATCCTGGGCCACGCTCGGGG-3'

ClinVar aggregate classification (germline): Conflicting classifications of pathogenicity. Review status: criteria provided, conflicting classifications (1 of 4 stars). 3 submissions from 3 submitters: Uncertain significance (1); Likely benign (1). 1 of the submissions does not count toward it. Last evaluated 2025-10-22.

Conditions:
SBF1-related disorder. Also called: SBF1-related condition.

Allele frequency attached by ClinVar (database versions not stated): ExAC 0.00012; gnomAD 0.00017 and 0.00019; TOPMed 0.00017; ESP Exome Variant Server 0.00024.
gnomAD v4.1: 79 of 1,612,546 alleles (0.0049%); highest among the groups gnomAD compares: African/African-American, 0.04%; no homozygotes.

Submissions (3):

Labcorp Genetics (formerly Invitae), Labcorp
Classification: Likely benign. Last evaluated: 2025-10-22. Review status: criteria provided, single submitter. Criteria: Invitae Variant Classification Sherloc (09022015). Collection method: clinical testing. Allele origin: germline.

CeGaT Center for Human Genetics Tuebingen
Classification: Uncertain significance. Last evaluated: 2016-11-01. Review status: criteria provided, single submitter. Criteria: CeGaT Center For Human Genetics Tuebingen Variant Classification Criteria Version 2. Collection method: clinical testing. Allele origin: germline. Affected: yes. Observed: 1 variant allele.

PreventionGenetics, part of Exact Sciences
Classification: Likely benign for SBF1-related condition. Last evaluated: 2019-09-04. Review status: no assertion criteria provided. Collection method: clinical testing. Allele origin: germline. Not counted in ClinVar's aggregate classification.
Comment: This variant is classified as likely benign based on ACMG/AMP sequence variant interpretation guidelines (Richards et al. 2015 PMID: 25741868, with internal and published modifications).